The following is an entry in ClinVar:

ClinVar aggregate classification (germline): Uncertain significance. Review status: criteria provided, multiple submitters, no conflicts (2 of 4 stars). 4 submissions from 4 submitters: Uncertain significance (4). Last evaluated 2024-07-01.

Conditions:
Cardiovascular phenotype. Identifiers: MedGen CN230736.
Brugada syndrome 8 (BRGDA8). Identifiers: Orphanet 130, MedGen C2751083, MONDO:0013148, OMIM 613123.

Allele frequency attached by ClinVar (database versions not stated): gnomAD exomes 0.00003; gnomAD 0.00004 and 0.00005; 1000 Genomes Project 30x 0.00031; 1000 Genomes Project 0.00040.
gnomAD v4.1: 73 of 1,545,850 alleles (0.0047%); highest among the groups gnomAD compares: African/African-American, 0.012%; 1 homozygote.

Submissions (4):

Ambry Genetics
Classification: Uncertain significance for Cardiovascular phenotype. Last evaluated: 2024-07-01. Review status: criteria provided, single submitter. Criteria: Ambry Variant Classification Scheme 2023. Collection method: clinical testing. Allele origin: germline.
Comment: The p.P968L variant (also known as c.2903C>T), located in coding exon 8 of the HCN4 gene, results from a C to T substitution at nucleotide position 2903. The proline at codon 968 is replaced by leucine, an amino acid with similar properties. This amino acid position is well conserved in available vertebrate species. In addition, the in silico prediction for this alteration is inconclusive. Based on the available evidence, the clinical significance of this variant remains unclear.

Labcorp Genetics (formerly Invitae), Labcorp
Classification: Uncertain significance for Brugada syndrome 8. Last evaluated: 2023-10-07. Review status: criteria provided, single submitter. Criteria: Invitae Variant Classification Sherloc (09022015). Collection method: clinical testing. Allele origin: germline.
Comment: This sequence change replaces proline, which is neutral and non-polar, with leucine, which is neutral and non-polar, at codon 968 of the HCN4 protein (p.Pro968Leu). This variant is present in population databases (rs548194804, gnomAD 0.02%). This variant has not been reported in the literature in individuals affected with HCN4-related conditions. ClinVar contains an entry for this variant (Variation ID: 392636). Advanced modeling of protein sequence and biophysical properties (such as structural, functional, and spatial information, amino acid conservation, physicochemical variation, residue mobility, and thermodynamic stability) performed at Invitae indicates that this missense variant is not expected to disrupt HCN4 protein function. In summary, the available evidence is currently insufficient to determine the role of this variant in disease. Therefore, it has been classified as a Variant of Uncertain Significance.

Baylor Genetics
Classification: Uncertain significance for Brugada syndrome 8. Last evaluated: 2022-10-13. Review status: criteria provided, single submitter. Criteria: ACMG Guidelines, 2015. Collection method: clinical testing. Allele origin: unknown.

GeneDx
Classification: Uncertain significance. Last evaluated: 2020-09-29. Review status: criteria provided, single submitter. Criteria: GeneDx Variant Classification Process June 2021. Collection method: clinical testing. Allele origin: germline. Affected: yes.
Comment: In silico analysis supports that this missense variant does not alter protein structure/function; Has not been previously published as pathogenic or benign to our knowledge

NM_005477.3(HCN4):c.2903C>T (p.Pro968Leu)

Gene: HCN4 (hyperpolarization activated cyclic nucleotide gated potassium channel 4; minus strand). Cytogenetic location: 15q24.1.
Variant type: single nucleotide variant.
Coding change: c.2903C>T on transcript NM_005477.3 (MANE Select); coding-DNA position 2903, C replaced by T.
Protein change: p.Pro968Leu; replaces proline 968 with leucine.
Molecular consequence: missense variant.
Genome position (GRCh38, 1-based): chr15:73,323,190, G>A on the plus strand (C>T on the coding strand, the complement: HCN4 is on the minus strand). VCF-style: chr15-73323190-G-A. GRCh37 (hg19) VCF-style: chr15-73615531-G-A.
Other names: short protein forms P968L.
Identifiers: ClinVar variation 392636 (VCV000392636.9), dbSNP rs548194804, ClinGen allele CA7648930.
Genomic context (GRCh38, chr15:73,323,190, plus strand): 5'-GTGGCCAGACCTAGGGACAACTCCCCGGGAGGCTGGCCCAGCTGCCCGGGGCTAGATGAC[G>A]GGGATCTGGATGAGGGTGGGGGTGGCAGGAAGTGCTCCGGGAGTCCCAGGCCTCCCCGGG-3'
Protein context (NP_005468.1, residues 958-978): FLPPPPSSRS[Pro968Leu]SSSPGQLGQP